The following is an entry in ClinVar:

NM_000275.3(OCA2):c.1954T>A (p.Trp652Arg)

Gene: OCA2 (OCA2 melanosomal transmembrane protein; minus strand). Cytogenetic location: 15q13.1.
Variant type: single nucleotide variant.
Coding change: c.1954T>A on transcript NM_000275.3 (MANE Select); coding-DNA position 1954, T replaced by A.
Protein change: p.Trp652Arg; replaces tryptophan 652 with arginine.
Molecular consequence: missense variant.
Genome position (GRCh38, 1-based): chr15:27,926,252, A>T on the plus strand (T>A on the coding strand, the complement: OCA2 is on the minus strand). VCF-style: chr15-27926252-A-T. GRCh37 (hg19) VCF-style: chr15-28171398-A-T.
Other names: c.1882T>A, p.Trp628Arg (NM_001300984.2); short protein forms W652R, W628R.
Identifiers: ClinVar variation 286902 (VCV000286902.13), dbSNP rs886043514, ClinGen allele CA10605608.
Genomic context (GRCh38, chr15:27,926,252, plus strand): 5'-TCTCAAAATCATGAATATCAGCTAAAATTAGCAACCAGATGGCACCCAGAATAGCAATCC[A>T]TCCTGAAAATAAGTAAATAGACATAGAGATATAGTTCCACTGTTAACACACCGATTCATT-3'
Protein context (NP_000266.2, residues 642-662): FVPGIHLDLG[Trp652Arg]IAILGAIWLL

ClinVar aggregate classification (germline): Conflicting classifications of pathogenicity. Review status: criteria provided, conflicting classifications (1 of 4 stars). 7 submissions from 7 submitters: Likely pathogenic (5); Uncertain significance (2). Last evaluated 2026-01-29.

Conditions:
OCA2-related disorder. Also called: OCA2-related condition.
Tyrosinase-positive oculocutaneous albinism (OCA2). Also called: ALBINISM II; Albinism, oculocutaneous, type II; Oculocutaneous albinism type 2. Identifiers: Orphanet 79432, MedGen C0268495, MONDO:0008746, OMIM 203200.
SKIN/HAIR/EYE PIGMENTATION 1, BLUE/NONBLUE EYES (SHEP1). Also called: BROWN EYE COLOR 2; SKIN/HAIR/EYE PIGMENTATION 1, BLOND/BROWN HAIR; SKIN/HAIR/EYE PIGMENTATION 1, BLUE/BROWN EYES; EYE COLOR 3; EYE COLOR, BLUE/NONBLUE; EYE COLOR, BROWN/BLUE. Identifiers: MedGen C1856895, OMIM 227220.

Allele frequency attached by ClinVar (database versions not stated): gnomAD exomes below 0.00001.
gnomAD v4.1: 3 of 1,614,014 alleles (0.00019%); highest among the groups gnomAD compares: Non-Finnish European, 0.00017%; no homozygotes.

Submissions (7):

Labcorp Genetics (formerly Invitae), Labcorp
Classification: Likely pathogenic. Last evaluated: 2026-01-29. Review status: criteria provided, single submitter. Criteria: Invitae Variant Classification Sherloc (09022015). Collection method: clinical testing. Allele origin: germline.
Comment: This sequence change replaces tryptophan, which is neutral and slightly polar, with arginine, which is basic and polar, at codon 652 of the OCA2 protein (p.Trp652Arg). This variant is present in population databases (no rsID available, gnomAD 0.0009%). This missense change has been observed in individual(s) with oculocutaneous albinism (PMID: 9259203, 27734839, 29345414; internal data). In at least one individual the data is consistent with being in trans (on the opposite chromosome) from a pathogenic variant. ClinVar contains an entry for this variant (Variation ID: 286902). An algorithm developed to predict the effect of missense changes on protein structure and function (PolyPhen-2) suggests that this variant is likely to be disruptive. In summary, the currently available evidence indicates that the variant is pathogenic, but additional data are needed to prove that conclusively. Therefore, this variant has been classified as Likely Pathogenic.

Myriad Genetics, Inc.
Classification: Uncertain significance for Tyrosinase-positive oculocutaneous albinism. Last evaluated: 2025-07-23. Review status: criteria provided, single submitter. Criteria: Myriad Autosomal Dominant, Autosomal Recessive and X-Linked Classification Criteria (2023). Collection method: clinical testing. Allele origin: unknown.
Comment: NM_000275.2(OCA2):c.1954T>A(W652R) is a missense variant classified as a variant of uncertain significance in the context of oculocutaneous albinism, OCA2-related. W652R has been observed in cases with relevant disease (PMID: 9259203, 29345414, 27734839). Relevant functional assessments of this variant are not available in the literature. W652R has been observed in referenced population frequency databases. In summary, there is insufficient evidence to classify NM_000275.2(OCA2):c.1954T>A(W652R) as pathogenic or benign. Please note: this variant was assessed in the context of healthy population screening.

Blueprint Genetics
Classification: Likely pathogenic for OCA2-related disorders. Last evaluated: 2024-09-09. Review status: criteria provided, single submitter. Criteria: ACMG Guidelines, 2015. Collection method: clinical testing. Allele origin: germline. Affected: yes. Observed: 4 variant alleles.

Fulgent Genetics
Classification: Likely pathogenic for Tyrosinase-positive oculocutaneous albinism; SKIN/HAIR/EYE PIGMENTATION 1, BLUE/NONBLUE EYES. Last evaluated: 2024-06-07. Review status: criteria provided, single submitter. Criteria: ACMG Guidelines, 2015. Collection method: clinical testing. Allele origin: germline.

Baylor Genetics
Classification: Likely pathogenic for SKIN/HAIR/EYE PIGMENTATION 1, BLUE/NONBLUE EYES. Last evaluated: 2024-02-18. Review status: criteria provided, single submitter. Criteria: ACMG Guidelines, 2015. Collection method: clinical testing. Allele origin: unknown.

Eurofins Ntd Llc (ga)
Classification: Uncertain significance. Last evaluated: 2016-03-17. Review status: criteria provided, single submitter. Criteria: EGL Classification Definitions 2015. Collection method: clinical testing. Allele origin: germline. Observed: 1 variant allele, 1 heterozygote.

Kariminejad - Najmabadi Pathology & Genetics Center
Classification: Likely pathogenic for Tyrosinase-positive oculocutaneous albinism. Review status: criteria provided, single submitter. Criteria: ACMG Guidelines, 2015. Collection method: clinical testing. Allele origin: germline. Affected: no.

Literature cited by the submitters: PubMed 9259203 (cited by Labcorp Genetics (formerly Invitae), Labcorp and Myriad Genetics, Inc.); PubMed 27734839 (cited by Labcorp Genetics (formerly Invitae), Labcorp and Myriad Genetics, Inc.); PubMed 29345414 (cited by Labcorp Genetics (formerly Invitae), Labcorp and Myriad Genetics, Inc.).